The following is an entry in ClinVar:

NR_029422.2(RNU12):n.141G>T

Gene: RNU12 (RNA, U12 small nuclear; plus strand). Cytogenetic location: 22q13.2.
Variant type: single nucleotide variant.
Molecular consequence: non-coding transcript variant (on NR_029422.2).
Genome position: GRCh38 VCF-style: chr22-42615384-G-T. GRCh37 (hg19) VCF-style: chr22-43011390-G-T.
Identifiers: ClinVar variation 4759455 (VCV004759455.1).

ClinVar aggregate classification (germline): Uncertain significance (1 of 4 stars; one submission).

Conditions:
Spinocerebellar ataxia, autosomal recessive 33 (SCAR33). Identifiers: MedGen C5774297, MONDO:0859360, OMIM 620208.

Submission:

Illumina Laboratory Services, Illumina
Classification: Uncertain significance for Spinocerebellar ataxia, autosomal recessive 33. Last evaluated: 2023-11-29. Review status: criteria provided, single submitter. Criteria: ISL SNV Classification Criteria 03 February 2026. Collection method: clinical testing. Allele origin: unknown.
Comment: The RNU12 n.140G>T variant is a non-protein coding variant. To our knowledge, this variant has not been reported in the peer-reviewed literature and is not observed at a significant frequency in version 2.1.1 or version 4.0.0 of the Genome Aggregation Database. The n.140G>T variant is located in stem-loop III, which is important for the stability of the U12 snRNA (PMID: 33577674). Based on the available evidence, the n.140G>T variant is classified as a variant of uncertain significance for early onset cerebellar ataxia.

Literature cited by the submitters: PubMed 33577674.